The following is an entry in ClinVar:

ClinVar aggregate classification (germline): Likely benign (1 of 4 stars; one submission).

Submission:

CeGaT Center for Human Genetics Tuebingen
Classification: Likely benign. Last evaluated: 2024-10-01. Review status: criteria provided, single submitter. Criteria: CeGaT Center For Human Genetics Tuebingen Variant Classification Criteria Version 2. Collection method: clinical testing. Allele origin: germline. Affected: yes. Observed: 2 variant alleles.
Comment: FGFR1: BS1

NM_023110.3(FGFR1):c.-88-3884_-88-3882del

Gene: FGFR1 (fibroblast growth factor receptor 1; minus strand). Cytogenetic location: 8p11.23.
Variant type: Deletion.
Coding change: c.-88-3884_-88-3882del on transcript NM_023110.3 (MANE Select); 3884 bases into the intron before 88 bases upstream of the start codon through 3882 bases into the intron before 88 bases upstream of the start codon, 3 bases deleted (AGG; older notation c.-88-3884_-88-3882delAGG).
Molecular consequence: intron variant.
Genome position (GRCh38, 1-based): chr8:38,461,416-38,461,418, CCT deleted on the plus strand (AGG on the coding strand, the reverse complement: FGFR1 is on the minus strand); deleting any 3 consecutive bases within chr8:38,461,416-38,461,420 gives the same sequence; the c. name uses the placement nearest the transcript's 3' end. VCF-style (leftmost placement, unchanged base first): chr8-38461415-ACCT-A. GRCh37 (hg19) VCF-style: chr8-38318933-ACCT-A.
Other names: c.-88-3884_-88-3882del (NM_001354368.2, NM_001354370.2, NM_023106.3 and 8 more transcripts); c.-180-3884_-180-3882del (NM_001174064.2); c.-149-163_-149-161del (NM_001174067.2).
Identifiers: ClinVar variation 3026077 (VCV003026077.22), dbSNP rs533465604, ClinGen allele CA175774928.
Genomic context (GRCh38, chr8:38,461,415, plus strand): 5'-GACAGAGTGTTGCTCTGTCACCCAAGCTAGAGTGCAGTGGCACGATCTCAACTCACTACA[ACCT>A]CCATCCCCCAGACTCAAGTGATCCTCCCACCTCAGCCTCCCGAGAAGCTGGGCTAATTTT-3'